The following is an entry in ClinVar:

ClinVar aggregate classification (germline): Likely benign. Review status: criteria provided, multiple submitters, no conflicts (2 of 4 stars). 3 submissions from 3 submitters: Likely benign (2). 1 of the submissions does not count toward it. Last evaluated 2026-01-11.

Conditions:
SMOC2-related disorder. Also called: SMOC2-related condition.

Allele frequency attached by ClinVar (database versions not stated): 1000 Genomes Project 0.00120; 1000 Genomes Project 30x 0.00156; ExAC 0.00304; gnomAD exomes 0.00319 and 0.00684; TOPMed 0.00370; gnomAD 0.00378 and 0.00390; ESP Exome Variant Server 0.00408.

Submissions (3):

Labcorp Genetics (formerly Invitae), Labcorp
Classification: Likely benign. Last evaluated: 2026-01-11. Review status: criteria provided, single submitter. Criteria: Invitae Variant Classification Sherloc (09022015). Collection method: clinical testing. Allele origin: germline.

Breakthrough Genomics
Classification: Likely benign. Review status: criteria provided, single submitter. Criteria: ACMG Guidelines, 2015. Collection method: not provided. Allele origin: germline. Inheritance: Autosomal recessive inheritance. Affected: yes.

PreventionGenetics, part of Exact Sciences
Classification: Likely benign for SMOC2-related condition. Last evaluated: 2020-03-06. Review status: no assertion criteria provided. Collection method: clinical testing. Allele origin: germline. Not counted in ClinVar's aggregate classification.
Comment: This variant is classified as likely benign based on ACMG/AMP sequence variant interpretation guidelines (Richards et al. 2015 PMID: 25741868, with internal and published modifications).

NM_001166412.2(SMOC2):c.1243G>A (p.Val415Met)

Gene: SMOC2 (SPARC related modular calcium binding 2; plus strand). Cytogenetic location: 6q27.
Variant type: single nucleotide variant.
Coding change: c.1243G>A on transcript NM_001166412.2 (MANE Select); coding-DNA position 1243, G replaced by A.
Protein change: p.Val415Met; replaces valine 415 with methionine.
Molecular consequence: missense variant.
Genome position (GRCh38, 1-based): chr6:168,653,186, G>A. VCF-style: chr6-168653186-G-A. GRCh37 (hg19) VCF-style: chr6-169053866-G-A.
Other names: c.1276G>A, p.Val426Met (NM_022138.3); short protein forms V426M, V415M.
Identifiers: ClinVar variation 781761 (VCV000781761.13), dbSNP rs35849878, ClinGen allele CA4102467.